The following is an entry in ClinVar:

ClinVar aggregate classification (germline): Uncertain significance. Review status: criteria provided, multiple submitters, no conflicts (2 of 4 stars). 2 submissions from 2 submitters: Uncertain significance (2). Last evaluated 2023-08-30.

Conditions:
Hereditary cancer-predisposing syndrome. Also called: Neoplastic Syndromes, Hereditary; Tumor predisposition; Hereditary neoplastic syndrome; Hereditary Cancer Syndrome. Identifiers: Orphanet 140162, MedGen C0027672, MeSH D009386, MONDO:0015356.
Familial adenomatous polyposis 1 (FAP1). Also called: POLYPOSIS, ADENOMATOUS INTESTINAL; FAMILIAL ADENOMATOUS POLYPOSIS 1, ATTENUATED. Identifiers: MedGen C2713442, MONDO:0021056, OMIM 175100. Disease mechanism: loss of function.

Submissions (2):

Ambry Genetics
Classification: Uncertain significance for Hereditary cancer-predisposing syndrome. Last evaluated: 2023-08-30. Review status: criteria provided, single submitter. Criteria: Ambry Variant Classification Scheme 2023. Collection method: clinical testing. Allele origin: germline.
Comment: The p.C1410W variant (also known as c.4230C>G), located in coding exon 15 of the APC gene, results from a C to G substitution at nucleotide position 4230. The cysteine at codon 1410 is replaced by tryptophan, an amino acid with highly dissimilar properties. This amino acid position is highly conserved in available vertebrate species. In addition, in silico predictors for this gene do not accurately predict pathogenicity. Since supporting evidence is limited at this time, the clinical significance of this alteration remains unclear.

Labcorp Genetics (formerly Invitae), Labcorp
Classification: Uncertain significance for Familial adenomatous polyposis 1. Last evaluated: 2021-11-20. Review status: criteria provided, single submitter. Criteria: Invitae Variant Classification Sherloc (09022015). Collection method: clinical testing. Allele origin: germline.
Comment: This variant is not present in population databases (gnomAD no frequency). This sequence change replaces cysteine, which is neutral and slightly polar, with tryptophan, which is neutral and slightly polar, at codon 1410 of the APC protein (p.Cys1410Trp). This variant has not been reported in the literature in individuals affected with APC-related conditions. In summary, the available evidence is currently insufficient to determine the role of this variant in disease. Therefore, it has been classified as a Variant of Uncertain Significance. Algorithms developed to predict the effect of missense changes on protein structure and function are either unavailable or do not agree on the potential impact of this missense change (SIFT: "Deleterious"; PolyPhen-2: "Probably Damaging"; Align-GVGD: "Class C0").

NM_000038.6(APC):c.4230C>G (p.Cys1410Trp)

Gene: APC (APC regulator of Wnt signaling pathway; plus strand). Cytogenetic location: 5q22.2.
Variant type: single nucleotide variant.
Coding change: c.4230C>G on transcript NM_000038.6 (MANE Select); coding-DNA position 4230, C replaced by G.
Protein change: p.Cys1410Trp; replaces cysteine 1410 with tryptophan.
Molecular consequence: missense variant.
Genome position (GRCh38, 1-based): chr5:112,839,824, C>G. VCF-style: chr5-112839824-C-G. GRCh37 (hg19) VCF-style: chr5-112175521-C-G.
Other names: c.4230C>G, p.Cys1410Trp (NM_001127510.3, NM_001354895.2); c.4176C>G, p.Cys1392Trp (NM_001127511.3); c.4284C>G, p.Cys1428Trp (NM_001354896.2); c.4260C>G, p.Cys1420Trp (NM_001354897.2); c.4155C>G, p.Cys1385Trp (NM_001354898.2); c.4146C>G, p.Cys1382Trp (NM_001354899.2); c.4107C>G, p.Cys1369Trp (NM_001354900.2); c.4053C>G, p.Cys1351Trp (NM_001354901.2); and 5 more; short protein forms C1369W, C1382W, C1392W, C1250W, C1319W, C1385W, C1428W, C1127W.
Identifiers: ClinVar variation 1362967 (VCV001362967.8), dbSNP rs2149909485, ClinGen allele CA16030600.